The following is an entry in ClinVar:

NM_000540.3(RYR1):c.4489G>A (p.Gly1497Arg)

Gene: RYR1 (ryanodine receptor 1; plus strand). Cytogenetic location: 19q13.2.
Variant type: single nucleotide variant.
Coding change: c.4489G>A on transcript NM_000540.3 (MANE Select); coding-DNA position 4489, G replaced by A.
Protein change: p.Gly1497Arg; replaces glycine 1497 with arginine.
Molecular consequence: missense variant.
Genome position (GRCh38, 1-based): chr19:38,478,469, G>A. VCF-style: chr19-38478469-G-A. GRCh37 (hg19) VCF-style: chr19-38969109-G-A.
Other names: p.Gly1497Arg; c.4489G>A, p.Gly1497Arg (NM_001042723.2); short protein forms G1497R.
Identifiers: ClinVar variation 646686 (VCV000646686.29), dbSNP rs367637223, ClinGen allele CA066153.

ClinVar aggregate classification (germline): Uncertain significance. Review status: criteria provided, multiple submitters, no conflicts (2 of 4 stars). 5 submissions from 5 submitters: Uncertain significance (5). Last evaluated 2025-11-24.

Conditions:
RYR1-related disorder. Also called: RYR1-related condition; RYR1-related disorders. Identifiers: MedGen CN239331.
Malignant hyperthermia, susceptibility to, 1 (MHS1). Also called: RYR1-Related Malignant Hyperthermia Susceptibility; Anesthesia related hyperthermia; Malignant hyperpyrexia; Fulminating hyperpyrexia; Pharmacogenic myopathy; Malignant hyperthermia suceptibility 1. Identifiers: Orphanet 423, MedGen C2930980, MONDO:0007783, OMIM 145600.

Allele frequency attached by ClinVar (database versions not stated): ExAC 0.00004; TOPMed 0.00005; gnomAD exomes 0.00006 and 0.00008; gnomAD 0.00007; ESP Exome Variant Server 0.00008.
gnomAD v4.1: 129 of 1,613,900 alleles (0.008%); highest among the groups gnomAD compares: Middle Eastern, 0.033%; no homozygotes.

Submissions (5):

Color Diagnostics, LLC DBA Color Health
Classification: Uncertain significance for Malignant hyperthermia, susceptibility to, 1. Last evaluated: 2025-11-24. Review status: criteria provided, single submitter. Criteria: ACMG Guidelines, 2015. Collection method: clinical testing. Allele origin: germline.
Comment: This missense variant replaces glycine with arginine at codon 1497 of the RYR1 protein. Computational prediction is inconclusive regarding the impact of this variant on protein structure and function. To our knowledge, functional studies have not been reported for this variant. This variant has not been reported in individuals affected with RYR1-related disorders in the literature. This variant has been identified in 18/282658 chromosomes in the general population by the Genome Aggregation Database (gnomAD). The available evidence is insufficient to determine the role of this variant in disease conclusively. Therefore, this variant is classified as a Variant of Uncertain Significance.

Mayo Clinic Laboratories, Mayo Clinic
Classification: Uncertain significance. Last evaluated: 2025-09-10. Review status: criteria provided, single submitter. Criteria: ACMG Guidelines, 2015. Collection method: clinical testing. Allele origin: germline. Observed: 2 variant alleles.
Comment: PP3

Women's Health and Genetics/Laboratory Corporation of America, LabCorp
Classification: Uncertain significance. Last evaluated: 2025-06-27. Review status: criteria provided, single submitter. Criteria: LabCorp Variant Classification Summary - May 2015. Collection method: clinical testing. Allele origin: germline.
Comment: Variant summary: RYR1 c.4489G>A (p.Gly1497Arg) results in a non-conservative amino acid change in the encoded protein sequence. Algorithms developed to predict the effect of missense changes on protein structure and function are either unavailable or do not agree on the potential impact of this missense change. The variant allele was found at a frequency of 5.6e-05 in 251280 control chromosomes. This frequency is not significantly higher than estimated for a pathogenic variant in RYR1 causing Congenital multicore myopathy with external ophthalmoplegia (5.6e-05 vs 0.0011), allowing no conclusion about variant significance. To our knowledge, no occurrence of c.4489G>A in individuals affected with Congenital multicore myopathy with external ophthalmoplegia and no experimental evidence demonstrating its impact on protein function have been reported. ClinVar contains an entry for this variant (Variation ID: 646686). Based on the evidence outlined above, the variant was classified as uncertain significance.

Labcorp Genetics (formerly Invitae), Labcorp
Classification: Uncertain significance for RYR1-related disorder. Last evaluated: 2024-12-19. Review status: criteria provided, single submitter. Criteria: Invitae Variant Classification Sherloc (09022015). Collection method: clinical testing. Allele origin: germline.
Comment: This sequence change replaces glycine, which is neutral and non-polar, with arginine, which is basic and polar, at codon 1497 of the RYR1 protein (p.Gly1497Arg). This variant is present in population databases (rs367637223, gnomAD 0.01%). This variant has not been reported in the literature in individuals affected with RYR1-related conditions. ClinVar contains an entry for this variant (Variation ID: 646686). Invitae Evidence Modeling of protein sequence and biophysical properties (such as structural, functional, and spatial information, amino acid conservation, physicochemical variation, residue mobility, and thermodynamic stability) indicates that this missense variant is expected to disrupt RYR1 protein function with a positive predictive value of 80%. In summary, the available evidence is currently insufficient to determine the role of this variant in disease. Therefore, it has been classified as a Variant of Uncertain Significance.

GeneDx
Classification: Uncertain significance. Last evaluated: 2022-07-16. Review status: criteria provided, single submitter. Criteria: GeneDx Variant Classification Process June 2021. Collection method: clinical testing. Allele origin: germline. Affected: yes.
Comment: Not observed at a significant frequency in large population cohorts (gnomAD); In silico analysis supports that this missense variant has a deleterious effect on protein structure/function; Has not been previously published as pathogenic or benign to our knowledge